The following is an entry in ClinVar:

ClinVar aggregate classification (germline): Likely pathogenic (1 of 4 stars; one submission).

gnomAD v4.1: 1 of 1,613,694 alleles (0.000062%); highest among the groups gnomAD compares: East Asian, 0.0022%; no homozygotes.

Submission:

GeneDx
Classification: Likely pathogenic. Last evaluated: 2023-07-11. Review status: criteria provided, single submitter. Criteria: GeneDx Variant Classification Process June 2021. Collection method: clinical testing. Allele origin: germline. Affected: yes.
Comment: Has not been previously published as pathogenic or benign to our knowledge; Not observed at significant frequency in large population cohorts (gnomAD); In silico analysis supports that this missense variant has a deleterious effect on protein structure/function; This variant is associated with the following publications: (PMID: 16256386)

NM_000277.3(PAH):c.908C>T (p.Ser303Phe)

Genes: PAH (phenylalanine hydroxylase; minus strand), LOC126861615 (CDK7 strongly-dependent group 2 enhancer GRCh37_chr12:103244689-103245888; plus strand). Cytogenetic location: 12q23.2.
Variant type: single nucleotide variant.
Coding change: c.908C>T on transcript NM_000277.3 (MANE Select); coding-DNA position 908, C replaced by T.
Protein change: p.Ser303Phe; replaces serine 303 with phenylalanine.
Molecular consequence: missense variant.
Genome position (GRCh38, 1-based): chr12:102,851,691, G>A on the plus strand (C>T on the coding strand, the complement: PAH is on the minus strand). VCF-style: chr12-102851691-G-A. GRCh37 (hg19) VCF-style: chr12-103245469-G-A.
Other names: c.908C>T, p.Ser303Phe (NM_001354304.2); short protein forms S303F.
Identifiers: ClinVar variation 3360974 (VCV003360974.1).